The following is an entry in ClinVar:

NM_017763.6(RNF43):c.340C>T (p.Arg114Trp)

Gene: RNF43 (ring finger protein 43; minus strand). Cytogenetic location: 17q22.
Variant type: single nucleotide variant.
Coding change: c.340C>T on transcript NM_017763.6 (MANE Select); coding-DNA position 340, C replaced by T.
Protein change: p.Arg114Trp; replaces arginine 114 with tryptophan.
Molecular consequence: missense variant.
Genome position (GRCh38, 1-based): chr17:58,370,946, G>A on the plus strand (C>T on the coding strand, the complement: RNF43 is on the minus strand). VCF-style: chr17-58370946-G-A. GRCh37 (hg19) VCF-style: chr17-56448307-G-A.
Other names: c.340C>T, p.Arg114Trp (NM_001305544.3); c.-42C>T (NM_001305545.2); c.340C>T (NM_017763.4); short protein forms R114W.
Identifiers: ClinVar variation 1449137 (VCV001449137.9), dbSNP rs768842372, ClinGen allele CA8673466.

ClinVar aggregate classification (germline): Uncertain significance. Review status: criteria provided, multiple submitters, no conflicts (2 of 4 stars). 4 submissions from 4 submitters: Uncertain significance (4). Last evaluated 2025-04-01.

Conditions:
Sessile serrated polyposis cancer syndrome (SSPCS). Identifiers: Orphanet 157798, MedGen C4310714, MONDO:0014919, OMIM 617108.

Allele frequency attached by ClinVar (database versions not stated): ExAC 0.00002; gnomAD exomes 0.00002 and 0.00003.

Submissions (4):

Labcorp Genetics (formerly Invitae), Labcorp
Classification: Uncertain significance. Last evaluated: 2025-04-01. Review status: criteria provided, single submitter. Criteria: Invitae Variant Classification Sherloc (09022015). Collection method: clinical testing. Allele origin: germline.
Comment: This sequence change replaces arginine, which is basic and polar, with tryptophan, which is neutral and slightly polar, at codon 114 of the RNF43 protein (p.Arg114Trp). This variant is present in population databases (rs768842372, gnomAD 0.005%). This variant has not been reported in the literature in individuals affected with RNF43-related conditions. ClinVar contains an entry for this variant (Variation ID: 1449137). An algorithm developed to predict the effect of missense changes on protein structure and function (PolyPhen-2) suggests that this variant is likely to be disruptive. In summary, the available evidence is currently insufficient to determine the role of this variant in disease. Therefore, it has been classified as a Variant of Uncertain Significance.

Center for Genomic Medicine, Rigshospitalet, Copenhagen University Hospital
Classification: Uncertain significance. Last evaluated: 2025-03-04. Review status: criteria provided, single submitter. Criteria: ACMG Guidelines, 2015. Collection method: clinical testing. Allele origin: germline.

Ambry Genetics
Classification: Uncertain significance. Last evaluated: 2024-12-01. Review status: criteria provided, single submitter. Criteria: Ambry Variant Classification Scheme 2023. Collection method: clinical testing. Allele origin: germline.
Comment: The p.R114W variant (also known as c.340C>T), located in coding exon 2 of the RNF43 gene, results from a C to T substitution at nucleotide position 340. The arginine at codon 114 is replaced by tryptophan, an amino acid with dissimilar properties. This amino acid position is conserved. In addition, the in silico prediction for this alteration is inconclusive. Based on the available evidence, the clinical significance of this variant remains unclear.

Baylor Genetics
Classification: Uncertain significance for Sessile serrated polyposis cancer syndrome. Last evaluated: 2023-10-17. Review status: criteria provided, single submitter. Criteria: ACMG Guidelines, 2015. Collection method: clinical testing. Allele origin: unknown.